The following is an entry in ClinVar:

ClinVar aggregate classification (germline): Benign. Review status: reviewed by expert panel (3 of 4 stars). 3 submissions from 3 submitters: Benign (1). 2 of the submissions do not count toward it. Last evaluated 2024-04-18.

Conditions:
Christianson syndrome (MRXSCH). Also called: X-linked mental retardation, syndromic, Christianson type; SLC9A6-Related Syndromic Mental Retardation; INTELLECTUAL DEVELOPMENTAL DISORDER, X-LINKED, SYNDROMIC, CHRISTIANSON TYPE. Identifiers: Orphanet 85278, MedGen C2678194, MONDO:0010278, OMIM 300243.

Allele frequency attached by ClinVar (database versions not stated): gnomAD exomes 0.00003 and 0.00005; ExAC 0.00006; gnomAD 0.00010 and 0.00011; TOPMed 0.00028; 1000 Genomes Project 0.00053; 1000 Genomes Project 30x 0.00062.
gnomAD v4.1: 47 of 1,204,813 alleles (0.0039%); highest among the groups gnomAD compares: Admixed American, 0.05%; no homozygotes.

Submissions (3):

ClinGen Rett and Angelman-like Disorders Variant Curation Expert Panel
Classification: Benign for Christianson syndrome. Last evaluated: 2024-04-18. Review status: reviewed by expert panel. Criteria: ClinGen RettAS ACMG Specifications SLC9A6 V3.0.0. Collection method: curation. Allele origin: germline. Inheritance: X-linked inheritance.
Comment: The allele frequency of the c.*12C>T variant in SLC9A6 is 0.05% in Admixed American sub population in gnomAD v4.0, which is high enough to be classified as benign based on thresholds defined by the ClinGen Rett/Angelman-like Expert Panel for Rett/AS-like conditions (BA1). In summary, the c.*12C>T variant in SLC9A6 is classified as benign based on the ACMG/AMP criteria (BA1).

GeneDx
Classification: Likely benign. Last evaluated: 2016-10-25. Review status: criteria provided, single submitter. Criteria: GeneDx Variant Classification (06012015). Collection method: clinical testing. Allele origin: germline. Affected: yes. Not counted in ClinVar's aggregate classification.
Comment: This variant is considered likely benign or benign based on one or more of the following criteria: it is a conservative change, it occurs at a poorly conserved position in the protein, it is predicted to be benign by multiple in silico algorithms, and/or has population frequency not consistent with disease.

Genetic Services Laboratory, University of Chicago
Classification: Uncertain significance. Last evaluated: 2013-02-08. Review status: criteria provided, single submitter. Criteria: ACMG Guidelines, 2007. Collection method: clinical testing. Allele origin: germline. Not counted in ClinVar's aggregate classification.

NM_001379110.1(SLC9A6):c.*12C>T

Gene: SLC9A6 (solute carrier family 9 member A6; plus strand). Cytogenetic location: Xq26.3.
Variant type: single nucleotide variant.
Coding change: c.*12C>T on transcript NM_001379110.1 (MANE Select); 12 bases downstream of the stop codon, C replaced by T.
Molecular consequence: 3 prime UTR variant.
Genome position (GRCh38, 1-based): chrX:136,044,736, C>T. VCF-style: chrX-136044736-C-T. GRCh37 (hg19) VCF-style: chrX-135126895-C-T.
Other names: c.*12C>T (NM_001042537.2, NM_001177651.2, NM_001330652.2 and 1 more transcripts).
Identifiers: ClinVar variation 212217 (VCV000212217.9), dbSNP rs190788663, ClinGen allele CA205543.